The following is an entry in ClinVar:

ClinVar aggregate classification (germline): Uncertain significance (1 of 4 stars; one submission).

Conditions:
Primary ciliary dyskinesia. Also called: Ciliary dyskinesia. Identifiers: Orphanet 244, MedGen C0008780, MONDO:0016575, HP:0012265.

Allele frequency attached by ClinVar (database versions not stated): gnomAD exomes below 0.00001 and 0.00001; ExAC 0.00001; TOPMed 0.00001.
gnomAD v4.1: 6 of 1,614,146 alleles (0.00037%); highest among the groups gnomAD compares: Non-Finnish European, 0.00042%; no homozygotes.

Submission:

Labcorp Genetics (formerly Invitae), Labcorp
Classification: Uncertain significance for Primary ciliary dyskinesia. Last evaluated: 2016-12-19. Review status: criteria provided, single submitter. Criteria: Invitae Variant Classification Sherloc (09022015). Collection method: clinical testing. Allele origin: germline.
Comment: In summary, this variant is a rare missense change with uncertain impact on protein function. It has been reported in both the population and an affected individual, but the available evidence is currently insufficient to determine its role in disease. Therefore, it has been classified as a Variant of Uncertain Significance. Algorithms developed to predict the effect of missense changes on protein structure and function do not agree on the potential impact of this missense change (SIFT: "Deleterious"; PolyPhen-2: "Benign"; Align-GVGD: "Class C0"). This variant has been reported in an individual affected with primary ciliary dyskinesia (PMID: 23261302). This variant is present in population databases (rs746835308, ExAC 0.001%). This sequence change replaces methionine with isoleucine at codon 278 of the CCDC114 protein (p.Met278Ile). The methionine residue is weakly conserved and there is a small physicochemical difference between methionine and isoleucine.

Literature cited by the submitters: PubMed 23261302.

NM_001364171.2(ODAD1):c.945G>T (p.Met315Ile)

Gene: ODAD1 (outer dynein arm docking complex subunit 1; minus strand). Cytogenetic location: 19q13.33.
Variant type: single nucleotide variant.
Coding change: c.945G>T on transcript NM_001364171.2 (MANE Select); coding-DNA position 945, G replaced by T.
Protein change: p.Met315Ile; replaces methionine 315 with isoleucine.
Molecular consequence: missense variant.
Genome position (GRCh38, 1-based): chr19:48,303,693, C>A on the plus strand (G>T on the coding strand, the complement: ODAD1 is on the minus strand). VCF-style: chr19-48303693-C-A. GRCh37 (hg19) VCF-style: chr19-48806950-C-A.
Other names: c.834G>T, p.Met278Ile (NM_144577.4); short protein forms M278I, M315I.
Identifiers: ClinVar variation 406185 (VCV000406185.9), dbSNP rs746835308, ClinGen allele CA9548899.